The following is an entry in ClinVar:

NM_198525.3(KIF7):c.2982G>T (p.Gln994His)

Gene: KIF7 (kinesin family member 7; minus strand). Cytogenetic location: 15q26.1.
Variant type: single nucleotide variant.
Coding change: c.2982G>T on transcript NM_198525.3 (MANE Select); coding-DNA position 2982, G replaced by T.
Protein change: p.Gln994His; replaces glutamine 994 with histidine.
Molecular consequence: missense variant.
Genome position (GRCh38, 1-based): chr15:89,631,624, C>A on the plus strand (G>T on the coding strand, the complement: KIF7 is on the minus strand). VCF-style: chr15-89631624-C-A. GRCh37 (hg19) VCF-style: chr15-90174855-C-A.
Other names: short protein forms Q994H.
Identifiers: ClinVar variation 2053409 (VCV002053409.4), dbSNP rs2505426967, ClinGen allele CA393757251.

ClinVar aggregate classification (germline): Uncertain significance (1 of 4 stars; one submission).

Conditions:
Acrocallosal syndrome (ACLS). Also called: HALLUX DUPLICATION, POSTAXIAL POLYDACTYLY, AND ABSENCE OF CORPUS CALLOSUM; Schinzel syndrome 1; Absence of corpus callosum with unusual facial appearance, mental deficiency, duplication of the halluces and polydactyly. Identifiers: Orphanet 36, MedGen C0796147, MONDO:0008708, OMIM 200990.

Submission:

Labcorp Genetics (formerly Invitae), Labcorp
Classification: Uncertain significance for Acrocallosal syndrome. Last evaluated: 2022-09-19. Review status: criteria provided, single submitter. Criteria: Invitae Variant Classification Sherloc (09022015). Collection method: clinical testing. Allele origin: germline.
Comment: This sequence change replaces glutamine, which is neutral and polar, with histidine, which is basic and polar, at codon 994 of the KIF7 protein (p.Gln994His). In summary, the available evidence is currently insufficient to determine the role of this variant in disease. Therefore, it has been classified as a Variant of Uncertain Significance. Advanced modeling of protein sequence and biophysical properties (such as structural, functional, and spatial information, amino acid conservation, physicochemical variation, residue mobility, and thermodynamic stability) performed at Invitae indicates that this missense variant is not expected to disrupt KIF7 protein function. This variant has not been reported in the literature in individuals affected with KIF7-related conditions. This variant is not present in population databases (gnomAD no frequency).